The following is an entry in ClinVar:

NM_020778.5(ALPK3):c.3754G>T (p.Ala1252Ser)

Gene: ALPK3 (alpha kinase 3; plus strand). Cytogenetic location: 15q25.3.
Variant type: single nucleotide variant.
Coding change: c.3754G>T on transcript NM_020778.5 (MANE Select); coding-DNA position 3754, G replaced by T.
Protein change: p.Ala1252Ser; replaces alanine 1252 with serine.
Molecular consequence: missense variant.
Genome position (GRCh38, 1-based): chr15:84,858,492, G>T. VCF-style: chr15-84858492-G-T. GRCh37 (hg19) VCF-style: chr15-85401723-G-T.
Other names: short protein forms A1252S.
Identifiers: ClinVar variation 1384451 (VCV001384451.6), dbSNP rs2141569602, ClinGen allele CA393360890.

ClinVar aggregate classification (germline): Uncertain significance (1 of 4 stars; one submission).

Submission:

Labcorp Genetics (formerly Invitae), Labcorp
Classification: Uncertain significance. Last evaluated: 2021-10-04. Review status: criteria provided, single submitter. Criteria: Invitae Variant Classification Sherloc (09022015). Collection method: clinical testing. Allele origin: germline.
Comment: In summary, the available evidence is currently insufficient to determine the role of this variant in disease. Therefore, it has been classified as a Variant of Uncertain Significance. Algorithms developed to predict the effect of missense changes on protein structure and function (SIFT, PolyPhen-2, Align-GVGD) all suggest that this variant is likely to be tolerated. This variant has not been reported in the literature in individuals affected with ALPK3-related conditions. This variant is not present in population databases (ExAC no frequency). This sequence change replaces alanine with serine at codon 1454 of the ALPK3 protein (p.Ala1454Ser). The alanine residue is moderately conserved and there is a moderate physicochemical difference between alanine and serine.